The following is an entry in ClinVar:

NM_001040716.2(PC):c.2674A>T (p.Lys892Ter)

Gene: PC (pyruvate carboxylase; minus strand). Cytogenetic location: 11q13.2.
Variant type: single nucleotide variant.
Coding change: c.2674A>T on transcript NM_001040716.2 (MANE Select); coding-DNA position 2674, A replaced by T.
Protein change: p.Lys892Ter; replaces lysine 892 with a stop codon.
Molecular consequence: nonsense.
Genome position (GRCh38, 1-based): chr11:66,850,264, T>A on the plus strand (A>T on the coding strand, the complement: PC is on the minus strand). VCF-style: chr11-66850264-T-A. GRCh37 (hg19) VCF-style: chr11-66617735-T-A.
Other names: c.2674A>T, p.Lys892Ter (NM_000920.4, NM_022172.3); short protein forms K892*.
Identifiers: ClinVar variation 1725388 (VCV001725388.2), dbSNP rs748009590, ClinGen allele CA381492382.
Genomic context (GRCh38, chr11:66,850,264, plus strand): 5'-ACCGGGCCGGGCTCACCTTGATGAGATCGCCCAGCATCTGGTTGGCCTCCACATAGGCCT[T>A]CTTGACCTCCTTGAACTTGGAGCCAAGCCCCATGCTGTGGGCCTGGAAGTGCAGGTTGGT-3'

ClinVar aggregate classification (germline): Likely pathogenic (1 of 4 stars; one submission).

Conditions:
Pyruvate carboxylase deficiency. Also called: ATAXIA WITH LACTIC ACIDOSIS II; LEIGH NECROTIZING ENCEPHALOPATHY DUE TO PYRUVATE CARBOXYLASE DEFICIENCY; LEIGH SYNDROME DUE TO PYRUVATE CARBOXYLASE DEFICIENCY; PC DEFICIENCY; Pyruvate Carboxylase Deficiency Disease. Identifiers: Orphanet 3008, MedGen C0034341, MONDO:0009949, OMIM 266150.

Submission:

Myriad Genetics, Inc.
Classification: Likely pathogenic for Pyruvate carboxylase deficiency. Last evaluated: 2022-03-17. Review status: criteria provided, single submitter. Criteria: Myriad Women's Health Autosomal Recessive and X-Linked Classification Criteria (2021). Collection method: clinical testing. Allele origin: unknown.
Comment: NM_000920.3(PC):c.2674A>T(K892*) is expected to be pathogenic in the context of pyruvate carboxylase deficiency. This variant is predicted to lead to an abnormal or absent protein product due to the creation of a premature termination codon in PC, a gene where loss-of-function variants are known to be pathogenic. Please note: this variant was assessed in the context of healthy population screening.